The following is an entry in ClinVar:

ClinVar aggregate classification (germline): Benign/Likely benign. Review status: criteria provided, multiple submitters, no conflicts (2 of 4 stars). 2 submissions from 2 submitters: Benign (1); Likely benign (1). Last evaluated 2025-12-01.

Allele frequency attached by ClinVar (database versions not stated): gnomAD exomes 0.00004 and 0.00018; ExAC 0.00028; gnomAD 0.00044 and 0.00052; TOPMed 0.00062; ESP Exome Variant Server 0.00076.
gnomAD v4.1: 96 of 1,210,343 alleles (0.0079%); highest among the groups gnomAD compares: African/African-American, 0.15%; no homozygotes.

Submissions (2):

CeGaT Center for Human Genetics Tuebingen
Classification: Likely benign. Last evaluated: 2025-12-01. Review status: criteria provided, single submitter. Criteria: CeGaT Center For Human Genetics Tuebingen Variant Classification Criteria Version 2. Collection method: clinical testing. Allele origin: germline. Affected: yes. Observed: 1 variant allele.
Comment: UBE2A: BP4, BS2

Labcorp Genetics (formerly Invitae), Labcorp
Classification: Benign. Last evaluated: 2024-11-21. Review status: criteria provided, single submitter. Criteria: Invitae Variant Classification Sherloc (09022015). Collection method: clinical testing. Allele origin: germline.

NM_003336.4(UBE2A):c.45-5C>T

Gene: UBE2A (ubiquitin conjugating enzyme E2 A; plus strand). Cytogenetic location: Xq24.
Variant type: single nucleotide variant.
Coding change: c.45-5C>T on transcript NM_003336.4 (MANE Select); 5 bases into the intron before coding-DNA position 45, C replaced by T.
Molecular consequence: intron variant.
Genome position (GRCh38, 1-based): chrX:119,574,896, C>T. VCF-style: chrX-119574896-C-T. GRCh37 (hg19) VCF-style: chrX-118708859-C-T.
Other names: c.45-5C>T (NM_181762.3); c.-48-12C>T (NM_001282161.2).
Identifiers: ClinVar variation 734688 (VCV000734688.13), dbSNP rs371379267, ClinGen allele CA10502321.